The following is an entry in ClinVar:

NM_005045.4(RELN):c.6073-315A>G

Gene: RELN (reelin; minus strand). Cytogenetic location: 7q22.1.
Variant type: single nucleotide variant.
Coding change: c.6073-315A>G on transcript NM_005045.4 (MANE Select); 315 bases into the intron before coding-DNA position 6073, A replaced by G.
Molecular consequence: intron variant.
Genome position (GRCh38, 1-based): chr7:103,551,611, T>C on the plus strand (A>G on the coding strand, the complement: RELN is on the minus strand). VCF-style: chr7-103551611-T-C. GRCh37 (hg19) VCF-style: chr7-103192058-T-C.
Other names: c.6073-315A>G (NM_173054.3).
Identifiers: ClinVar variation 674041 (VCV000674041.1), dbSNP rs362790, ClinGen allele CA163902033.

ClinVar aggregate classification (germline): Benign (1 of 4 stars; one submission).

Allele frequency attached by ClinVar (database versions not stated): gnomAD 0.09341 and 0.09477; 1000 Genomes Project 30x 0.09525; 1000 Genomes Project 0.09824; TOPMed 0.09986.
gnomAD v4.1: 14,464 of 152,130 alleles (9.5%); highest among the groups gnomAD compares: Middle Eastern, 15%; 713 homozygotes.

Submission:

GeneDx
Classification: Benign. Last evaluated: 2018-06-19. Review status: criteria provided, single submitter. Criteria: GeneDx Variant Classification (06012015). Collection method: clinical testing. Allele origin: germline. Affected: yes.
Comment: This variant is considered likely benign or benign based on one or more of the following criteria: it is a conservative change, it occurs at a poorly conserved position in the protein, it is predicted to be benign by multiple in silico algorithms, and/or has population frequency not consistent with disease.